The following is an entry in ClinVar:

NM_014806.5(RUSC2):c.2745C>A (p.Asp915Glu)

Gene: RUSC2 (RUN and SH3 domain containing 2; plus strand). Cytogenetic location: 9p13.3.
Variant type: single nucleotide variant.
Coding change: c.2745C>A on transcript NM_014806.5 (MANE Select); coding-DNA position 2745, C replaced by A.
Protein change: p.Asp915Glu; replaces aspartic acid 915 with glutamic acid.
Molecular consequence: missense variant. On other transcripts: non-coding transcript variant (1).
Genome position (GRCh38, 1-based): chr9:35,556,040, C>A. VCF-style: chr9-35556040-C-A. GRCh37 (hg19) VCF-style: chr9-35556037-C-A.
Other names: c.2745C>A, p.Asp915Glu (NM_001135999.2); c.111C>A, p.Asp37Glu (NM_001330740.2); short protein forms D915E, D37E.
Identifiers: ClinVar variation 2728506 (VCV002728506.3), dbSNP rs200958975, ClinGen allele CA373344749.

ClinVar aggregate classification (germline): Uncertain significance (1 of 4 stars; one submission).

Submission:

Labcorp Genetics (formerly Invitae), Labcorp
Classification: Uncertain significance. Last evaluated: 2023-06-25. Review status: criteria provided, single submitter. Criteria: Invitae Variant Classification Sherloc (09022015). Collection method: clinical testing. Allele origin: germline.
Comment: In summary, the available evidence is currently insufficient to determine the role of this variant in disease. Therefore, it has been classified as a Variant of Uncertain Significance. An algorithm developed to predict the effect of missense changes on protein structure and function (PolyPhen-2) suggests that this variant is likely to be disruptive. This variant has not been reported in the literature in individuals affected with RUSC2-related conditions. This variant is not present in population databases (gnomAD no frequency). This sequence change replaces aspartic acid, which is acidic and polar, with glutamic acid, which is acidic and polar, at codon 915 of the RUSC2 protein (p.Asp915Glu).